The following is an entry in ClinVar:

NM_000301.5(PLG):c.1966A>T (p.Arg656Trp)

Gene: PLG (plasminogen; plus strand). Cytogenetic location: 6q26.
Variant type: single nucleotide variant.
Coding change: c.1966A>T on transcript NM_000301.5 (MANE Select); coding-DNA position 1966, A replaced by T.
Protein change: p.Arg656Trp; replaces arginine 656 with tryptophan.
Molecular consequence: missense variant.
Genome position (GRCh38, 1-based): chr6:160,739,156, A>T. VCF-style: chr6-160739156-A-T. GRCh37 (hg19) VCF-style: chr6-161160188-A-T.
Other names: short protein forms R656W.
Identifiers: ClinVar variation 3420771 (VCV003420771.4).

ClinVar aggregate classification (germline): Uncertain significance. Review status: criteria provided, multiple submitters, no conflicts (2 of 4 stars). 3 submissions from 3 submitters: Uncertain significance (3). Last evaluated 2025-09-24.

Conditions:
Inborn genetic diseases. Identifiers: MedGen C0950123, MeSH D030342.
Plasminogen deficiency, type I. Also called: Hypoplasminogenemia; Type 1 plasminogen deficiency. Identifiers: Orphanet 722, MedGen C1968804, MONDO:0009009, OMIM 217090.
Angioedema, hereditary, 4. Identifiers: MedGen C5543503, MONDO:0025712, OMIM 619360.

gnomAD v4.1: 90 of 1,614,040 alleles (0.0056%); highest among the groups gnomAD compares: Non-Finnish European, 0.0071%; no homozygotes.

Submissions (3):

Labcorp Genetics (formerly Invitae), Labcorp
Classification: Uncertain significance. Last evaluated: 2025-09-24. Review status: criteria provided, single submitter. Criteria: Invitae Variant Classification Sherloc (09022015). Collection method: clinical testing. Allele origin: germline.
Comment: This sequence change replaces arginine, which is basic and polar, with tryptophan, which is neutral and slightly polar, at codon 656 of the PLG protein (p.Arg656Trp). This variant is present in population databases (no rsID available, gnomAD 0.002%). This variant has not been reported in the literature in individuals affected with PLG-related conditions. ClinVar contains an entry for this variant (Variation ID: 3420771). Invitae Evidence Modeling of protein sequence and biophysical properties (such as structural, functional, and spatial information, amino acid conservation, physicochemical variation, residue mobility, and thermodynamic stability) indicates that this missense variant is not expected to disrupt PLG protein function with a negative predictive value of 80%. In summary, the available evidence is currently insufficient to determine the role of this variant in disease. Therefore, it has been classified as a Variant of Uncertain Significance.

Ambry Genetics
Classification: Uncertain significance for Inborn genetic diseases. Last evaluated: 2024-09-08. Review status: criteria provided, single submitter. Criteria: Ambry Variant Classification Scheme 2023. Collection method: clinical testing. Allele origin: germline.

Fulgent Genetics
Classification: Uncertain significance for Plasminogen deficiency, type I; Angioedema, hereditary, 4. Last evaluated: 2024-05-01. Review status: criteria provided, single submitter. Criteria: ACMG Guidelines, 2015. Collection method: clinical testing. Allele origin: germline.